The following is an entry in ClinVar:

NM_000535.7(PMS2):c.550A>G (p.Met184Val)

Gene: PMS2 (PMS1 homolog 2, mismatch repair system component; minus strand). Cytogenetic location: 7p22.1.
Variant type: single nucleotide variant.
Coding change: c.550A>G on transcript NM_000535.7 (MANE Select); coding-DNA position 550, A replaced by G.
Protein change: p.Met184Val; replaces methionine 184 with valine.
Molecular consequence: missense variant. On other transcripts: non-coding transcript variant (1), intron variant (3).
Genome position (GRCh38, 1-based): chr7:5,999,263, T>C on the plus strand (A>G on the coding strand, the complement: PMS2 is on the minus strand). VCF-style: chr7-5999263-T-C. GRCh37 (hg19) VCF-style: chr7-6038894-T-C.
Other names: c.145A>G, p.Met49Val (NM_001322003.2, NM_001322004.2, NM_001322005.2 and 2 more transcripts); c.550A>G, p.Met184Val (NM_001322006.2, NM_001322014.2); c.232A>G, p.Met78Val (NM_001322007.2, NM_001322008.2); c.241A>G, p.Met81Val (NM_001322015.2); c.133-1840A>G (NM_001322013.2); c.-347-37A>G (NM_001322012.2, NM_001322011.2); short protein forms M78V, M184V, M49V, M81V.
Identifiers: ClinVar variation 825791 (VCV000825791.14), dbSNP rs1583387809, ClinGen allele CA366744112.

ClinVar aggregate classification (germline): Uncertain significance. Review status: criteria provided, multiple submitters, no conflicts (2 of 4 stars). 2 submissions from 2 submitters: Uncertain significance (2). Last evaluated 2022-10-03.

Conditions:
Hereditary nonpolyposis colorectal neoplasms. Identifiers: MedGen C0009405, MeSH D003123.
Hereditary cancer-predisposing syndrome. Also called: Neoplastic Syndromes, Hereditary; Tumor predisposition; Hereditary neoplastic syndrome; Hereditary Cancer Syndrome. Identifiers: Orphanet 140162, MedGen C0027672, MeSH D009386, MONDO:0015356.

Submissions (2):

Labcorp Genetics (formerly Invitae), Labcorp
Classification: Uncertain significance for Hereditary nonpolyposis colorectal neoplasms. Last evaluated: 2022-10-03. Review status: criteria provided, single submitter. Criteria: Invitae Variant Classification Sherloc (09022015). Collection method: clinical testing. Allele origin: germline.
Comment: In summary, the available evidence is currently insufficient to determine the role of this variant in disease. Therefore, it has been classified as a Variant of Uncertain Significance. Advanced modeling of protein sequence and biophysical properties (such as structural, functional, and spatial information, amino acid conservation, physicochemical variation, residue mobility, and thermodynamic stability) performed at Invitae indicates that this missense variant is expected to disrupt PMS2 protein function. ClinVar contains an entry for this variant (Variation ID: 825791). This variant has not been reported in the literature in individuals affected with PMS2-related conditions. This variant is not present in population databases (gnomAD no frequency). This sequence change replaces methionine, which is neutral and non-polar, with valine, which is neutral and non-polar, at codon 184 of the PMS2 protein (p.Met184Val).

Ambry Genetics
Classification: Uncertain significance for Hereditary cancer-predisposing syndrome. Last evaluated: 2017-10-13. Review status: criteria provided, single submitter. Criteria: Ambry Variant Classification Scheme 2023. Collection method: clinical testing. Allele origin: germline.